The following is an entry in ClinVar:

NM_001114748.2(TMEM240):c.457G>A (p.Gly153Arg)

Gene: TMEM240 (transmembrane protein 240; minus strand). Cytogenetic location: 1p36.33.
Variant type: single nucleotide variant.
Coding change: c.457G>A on transcript NM_001114748.2 (MANE Select); coding-DNA position 457, G replaced by A.
Protein change: p.Gly153Arg; replaces glycine 153 with arginine.
Molecular consequence: missense variant.
Genome position (GRCh38, 1-based): chr1:1,535,424, C>T on the plus strand (G>A on the coding strand, the complement: TMEM240 is on the minus strand). VCF-style: chr1-1535424-C-T. GRCh37 (hg19) VCF-style: chr1-1470804-C-T.
Other names: short protein forms G153R.
Identifiers: ClinVar variation 1809675 (VCV001809675.4), dbSNP rs1353028252, ClinGen allele CA337865907.

ClinVar aggregate classification (germline): Uncertain significance. Review status: criteria provided, multiple submitters, no conflicts (2 of 4 stars). 2 submissions from 2 submitters: Uncertain significance (2). Last evaluated 2025-01-02.

Allele frequency attached by ClinVar (database versions not stated): gnomAD exomes 0.00001.

Submissions (2):

Women's Health and Genetics/Laboratory Corporation of America, LabCorp
Classification: Uncertain significance. Last evaluated: 2025-01-02. Review status: criteria provided, single submitter. Criteria: LabCorp Variant Classification Summary - May 2015. Collection method: clinical testing. Allele origin: germline.
Comment: Variant summary: TMEM240 c.457G>A (p.Gly153Arg) results in a non-conservative amino acid change in the encoded protein sequence. Four of five in-silico tools predict a damaging effect of the variant on protein function. The variant allele was found at a frequency of 1.4e-05 in 148048 control chromosomes. The available data on variant occurrences in the general population are insufficient to allow any conclusion about variant significance. c.457G>A has been reported in the literature in at-least one individual affected with Ataxia (example: ElNaofal_2023) . These report(s) do not provide unequivocal conclusions about association of the variant with Spinocerebellar Ataxia Type 21. To our knowledge, no experimental evidence demonstrating an impact on protein function has been reported. The following publication has been ascertained in the context of this evaluation (PMID: 36703223). ClinVar contains an entry for this variant (Variation ID: 1809675). Based on the evidence outlined above, the variant was classified as uncertain significance.

Dubai Health Genomic Medicine Center, Dubai Health
Classification: Uncertain significance. Last evaluated: 2022-12-17. Review status: criteria provided, single submitter. Criteria: ACMG Guidelines, 2015. Collection method: clinical testing. Allele origin: germline. Affected: yes.

Literature cited by the submitters: PubMed 36703223 (cited by Women's Health and Genetics/Laboratory Corporation of America, LabCorp).